The following is an entry in ClinVar:

ClinVar aggregate classification (germline): Likely pathogenic (1 of 4 stars; one submission).

Conditions:
Sphingolipid activator protein 1 deficiency. Also called: Saposin B Deficiency; METACHROMATIC LEUKODYSTROPHY DUE TO CEREBROSIDE SULFATASE ACTIVATOR DEFICIENCY; Metachromatic leukodystrophy due to saposin B deficiency. Identifiers: Orphanet 512, MedGen C0268262, MONDO:0009590, OMIM 249900.

Submission:

Labcorp Genetics (formerly Invitae), Labcorp
Classification: Likely pathogenic for Sphingolipid activator protein 1 deficiency. Last evaluated: 2022-08-20. Review status: criteria provided, single submitter. Criteria: Invitae Variant Classification Sherloc (09022015). Collection method: clinical testing. Allele origin: germline.
Comment: This variant is not present in population databases (gnomAD no frequency). In summary, the currently available evidence indicates that the variant is pathogenic, but additional data are needed to prove that conclusively. Therefore, this variant has been classified as Likely Pathogenic. Algorithms developed to predict the effect of sequence changes on RNA splicing suggest that this variant may disrupt the consensus splice site. ClinVar contains an entry for this variant (Variation ID: 1469133). This variant has not been reported in the literature in individuals affected with PSAP-related conditions. This sequence change affects an acceptor splice site in intron 11 of the PSAP gene. It is expected to disrupt RNA splicing. Variants that disrupt the donor or acceptor splice site typically lead to a loss of protein function (PMID: 16199547), and loss-of-function variants in PSAP are known to be pathogenic (PMID: 8554069, 11309366, 17616409, 19267410, 30632081).

Literature cited by the submitters: PubMed 16199547; PubMed 8554069; PubMed 11309366; PubMed 17616409; PubMed 19267410; PubMed 30632081.

NM_002778.4(PSAP):c.1351-2A>G

Gene: PSAP (prosaposin; minus strand). Cytogenetic location: 10q22.1.
Variant type: single nucleotide variant.
Coding change: c.1351-2A>G on transcript NM_002778.4 (MANE Select); the canonical splice acceptor site of the intron before coding-DNA position 1351, A replaced by G.
Molecular consequence: splice acceptor variant.
Genome position (GRCh38, 1-based): chr10:71,819,113, T>C on the plus strand (A>G on the coding strand, the complement: PSAP is on the minus strand). VCF-style: chr10-71819113-T-C. GRCh37 (hg19) VCF-style: chr10-73578870-T-C.
Other names: c.1357-2A>G (NM_001042466.3); c.1360-2A>G (NM_001042465.3).
Identifiers: ClinVar variation 1469133 (VCV001469133.6), dbSNP rs2133029725, ClinGen allele CA377142288.
Genomic context (GRCh38, chr10:71,819,113, plus strand): 5'-ATCACCTCCACCAGGATCTCGATCAGCACGGGCTCGTACTCTGCCACAAACTGATCACAC[T>C]ATAAAGGAAAGTGGGGACACAGGTCCAGCTCTGGGGGTGTCCGAGCATAGTGGGGCACAA-3'